The following is an entry in ClinVar:

ClinVar aggregate classification (germline): Likely benign (1 of 4 stars; one submission).

Conditions:
TBXAS1-related disorder. Also called: TBXAS1-related condition.

gnomAD v4.1: 12 of 702,434 alleles (0.0017%); highest among the groups gnomAD compares: Middle Eastern, 0.023%; no homozygotes.

Submission:

PreventionGenetics, part of Exact Sciences
Classification: Likely benign for TBXAS1-related condition. Last evaluated: 2024-10-31. Review status: criteria provided, single submitter. Criteria: ACMG Guidelines, 2015. Collection method: clinical testing. Allele origin: germline.
Comment: This variant is classified as likely benign based on ACMG/AMP sequence variant interpretation guidelines (Richards et al. 2015 PMID: 25741868, with internal and published modifications).

NM_001061.7(TBXAS1):c.333+1776C>T

Gene: TBXAS1 (thromboxane A synthase 1; plus strand). Cytogenetic location: 7q34.
Variant type: single nucleotide variant.
Coding change: c.333+1776C>T on transcript NM_001061.7 (MANE Select); 1776 bases into the intron after coding-DNA position 333, C replaced by T.
Molecular consequence: intron variant. On other transcripts: synonymous variant (1).
Genome position (GRCh38, 1-based): chr7:139,913,097, C>T. VCF-style: chr7-139913097-C-T. GRCh37 (hg19) VCF-style: chr7-139612896-C-T.
Other names: c.366C>T, p.His122= (NM_001366538.2); c.333+1776C>T (NM_001130966.5, NM_001166253.4, NM_030984.6); c.132+1776C>T (NM_001166254.4); c.276+1776C>T (NM_001314028.4); c.151-23094C>T (NM_001366537.3).
Identifiers: ClinVar variation 4981891 (VCV004981891.1).
Genomic context (GRCh38, chr7:139,913,097, plus strand): 5'-CACCCAAAATTTGCTCATCTTCTTCCAGCCCCAGAGCATCATGCCCAACTCCAGACATCA[C>T]GTGGCCTCTAGAGGGATGTGGCCTGGAGGGAGGCGGCTGGCCTGCTACCTCCATCCCTTC-3'